The following is an entry in ClinVar:

NM_001365088.1(SLC12A6):c.2057T>A (p.Met686Lys)

Gene: SLC12A6 (solute carrier family 12 member 6; minus strand). Cytogenetic location: 15q14.
Variant type: single nucleotide variant.
Coding change: c.2057T>A on transcript NM_001365088.1 (MANE Select); coding-DNA position 2057, T replaced by A.
Protein change: p.Met686Lys; replaces methionine 686 with lysine.
Molecular consequence: missense variant.
Genome position (GRCh38, 1-based): chr15:34,242,207, A>T on the plus strand (T>A on the coding strand, the complement: SLC12A6 is on the minus strand). VCF-style: chr15-34242207-A-T. GRCh37 (hg19) VCF-style: chr15-34534408-A-T.
Other names: c.1880T>A, p.Met627Lys (NM_001042494.2, NM_001042495.2); c.2030T>A, p.Met677Lys (NM_001042496.2); c.2012T>A, p.Met671Lys (NM_001042497.2); c.1904T>A, p.Met635Lys (NM_005135.2); c.2057T>A, p.Met686Lys (NM_133647.2); short protein forms M635K, M671K, M677K, M686K, M627K.
Identifiers: ClinVar variation 2229668 (VCV002229668.2), dbSNP rs2509767618, ClinGen allele CA391620416.
Genomic context (GRCh38, chr15:34,242,207, plus strand): 5'-GCTACAATGGCATAATACCAGGAAGAAATGAACATCAGAGCCAGACAGATACTCATTCCC[A>T]TGAAAGAAAGGGCCCTAGAAAATTAAAAACAAAAAAGTATCTTTTAAAGTAGCTGAAAAA-3'
Protein context (NP_001352017.1, residues 676-696): FRYYHWALSF[Met686Lys]GMSICLALMF

ClinVar aggregate classification (germline): Uncertain significance (1 of 4 stars; one submission).

Conditions:
Inborn genetic diseases. Identifiers: MedGen C0950123, MeSH D030342.

gnomAD v4.1: 1 of 1,600,138 alleles (0.000062%); no homozygotes.

Submission:

Ambry Genetics
Classification: Uncertain significance for Inborn genetic diseases. Last evaluated: 2021-03-18. Review status: criteria provided, single submitter. Criteria: Ambry Variant Classification Scheme 2023. Collection method: clinical testing. Allele origin: germline.
Comment: The c.2057T>A (p.M686K) alteration is located in exon 16 (coding exon 16) of the SLC12A6 gene. This alteration results from a T to A substitution at nucleotide position 2057, causing the methionine (M) at amino acid position 686 to be replaced by a lysine (K). The p.M686K alteration is predicted to be deleterious by in silico analysis. Based on insufficient or conflicting evidence, the clinical significance of this alteration remains unclear.